The following is an entry in ClinVar:

ClinVar aggregate classification (germline): Uncertain significance. Review status: criteria provided, multiple submitters, no conflicts (2 of 4 stars). 2 submissions from 2 submitters: Uncertain significance (2). Last evaluated 2023-03-27.

Conditions:
Hereditary cancer-predisposing syndrome. Also called: Tumor predisposition; Neoplastic Syndromes, Hereditary; Hereditary Cancer Syndrome; Hereditary neoplastic syndrome. Identifiers: Orphanet 140162, MedGen C0027672, MeSH D009386, MONDO:0015356.

Submissions (2):

Ambry Genetics
Classification: Uncertain significance for Hereditary cancer-predisposing syndrome. Last evaluated: 2023-03-27. Review status: criteria provided, single submitter. Criteria: Ambry Variant Classification Scheme 2023. Collection method: clinical testing. Allele origin: germline.
Comment: The p.Q437L variant (also known as c.1310A>T), located in coding exon 12 of the FANCC gene, results from an A to T substitution at nucleotide position 1310. The glutamine at codon 437 is replaced by leucine, an amino acid with dissimilar properties. This amino acid position is conserved. In addition, this alteration is predicted to be tolerated by in silico analysis. Since supporting evidence is limited at this time, the clinical significance of this alteration remains unclear.

GeneDx
Classification: Uncertain significance. Last evaluated: 2022-06-16. Review status: criteria provided, single submitter. Criteria: GeneDx Variant Classification Process June 2021. Collection method: clinical testing. Allele origin: germline. Affected: yes.
Comment: Not observed in large population cohorts (gnomAD); In silico analysis supports that this missense variant has a deleterious effect on protein structure/function; Has not been previously published as pathogenic or benign to our knowledge

NM_000136.3(FANCC):c.1310A>T (p.Gln437Leu)

Genes: AOPEP (aminopeptidase O (putative); plus strand), FANCC (FA complementation group C; minus strand). Cytogenetic location: 9q22.32.
Variant type: single nucleotide variant.
Coding change: c.1310A>T on transcript NM_000136.3 (MANE Select); coding-DNA position 1310, A replaced by T.
Protein change: p.Gln437Leu; replaces glutamine 437 with leucine.
Molecular consequence: missense variant.
Genome position (GRCh38, 1-based): chr9:95,111,482, T>A on the plus strand (A>T on the coding strand, the complement: FANCC is on the minus strand). VCF-style: chr9-95111482-T-A. GRCh37 (hg19) VCF-style: chr9-97873764-T-A.
Other names: c.1310A>T, p.Gln437Leu (NM_001243743.2, NM_001243744.2); short protein forms Q437L.
Identifiers: ClinVar variation 1311548 (VCV001311548.5), dbSNP rs912537449, ClinGen allele CA374107259.